The following is an entry in ClinVar:

ClinVar aggregate classification (germline): Likely benign. Review status: criteria provided, multiple submitters, no conflicts (2 of 4 stars). 3 submissions from 3 submitters: Likely benign (2). 1 of the submissions does not count toward it. Last evaluated 2026-01-22.

Conditions:
Ataxia-telangiectasia-like disorder (ATLD). Identifiers: MedGen C1858391, MONDO:0011457.
MRE11-related disorder. Also called: MRE11-related condition.

Allele frequency attached by ClinVar (database versions not stated): gnomAD exomes below 0.00001; TOPMed below 0.00001.

Submissions (3):

Women's Health and Genetics/Laboratory Corporation of America, LabCorp
Classification: Likely benign. Last evaluated: 2026-01-22. Review status: criteria provided, single submitter. Criteria: LabCorp Variant Classification Summary - May 2015. Collection method: clinical testing. Allele origin: germline.
Comment: Variant summary: MRE11 c.1927-9C>A alters a nucleotide located at a position not widely known to affect splicing. Consensus agreement among computation tools predict no significant impact on normal splicing. However, these predictions have yet to be confirmed by functional studies. The variant was absent in 250904 control chromosomes (gnomAD). The available data on variant occurrences in the general population are insufficient to allow any conclusion about variant significance. To our knowledge, no occurrence of c.1927-9C>A in individuals affected with MRE11-related conditions and no experimental evidence demonstrating its impact on protein function have been reported. ClinVar contains an entry for this variant (Variation ID: 414692). Based on the evidence outlined above, the variant was classified as likely benign.

Labcorp Genetics (formerly Invitae), Labcorp
Classification: Likely benign for Ataxia-telangiectasia-like disorder. Last evaluated: 2025-12-17. Review status: criteria provided, single submitter. Criteria: Invitae Variant Classification Sherloc (09022015). Collection method: clinical testing. Allele origin: germline.

PreventionGenetics, part of Exact Sciences
Classification: Likely benign for MRE11-related condition. Last evaluated: 2020-12-28. Review status: no assertion criteria provided. Collection method: clinical testing. Allele origin: germline. Not counted in ClinVar's aggregate classification.
Comment: This variant is classified as likely benign based on ACMG/AMP sequence variant interpretation guidelines (Richards et al. 2015 PMID: 25741868, with internal and published modifications).

NM_005591.4(MRE11):c.1927-9C>A

Gene: MRE11 (MRE11 double strand break repair nuclease; minus strand). Cytogenetic location: 11q21.
Variant type: single nucleotide variant.
Coding change: c.1927-9C>A on transcript NM_005591.4 (MANE Select); 9 bases into the intron before coding-DNA position 1927, C replaced by A.
Molecular consequence: intron variant.
Genome position (GRCh38, 1-based): chr11:94,435,908, G>T on the plus strand (C>A on the coding strand, the complement: MRE11 is on the minus strand). VCF-style: chr11-94435908-G-T. GRCh37 (hg19) VCF-style: chr11-94169074-G-T.
Other names: c.1924-9C>A (NM_001330347.2); c.1843-9C>A (NM_005590.4).
Identifiers: ClinVar variation 414692 (VCV000414692.14), dbSNP rs1060504336, ClinGen allele CA16613506.